The following is an entry in ClinVar:

NM_001377.3(DYNC2H1):c.9354-86A>G

Gene: DYNC2H1 (dynein cytoplasmic 2 heavy chain 1; plus strand). Cytogenetic location: 11q22.3.
Variant type: single nucleotide variant.
Coding change: c.9354-86A>G on transcript NM_001377.3 (MANE Select); 86 bases into the intron before coding-DNA position 9354, A replaced by G.
Molecular consequence: intron variant.
Genome position (GRCh38, 1-based): chr11:103,231,174, A>G. VCF-style: chr11-103231174-A-G. GRCh37 (hg19) VCF-style: chr11-103101903-A-G.
Other names: c.9354-86A>G (NM_001080463.2).
Identifiers: ClinVar variation 675075 (VCV000675075.2), dbSNP rs11225611, ClinGen allele CA13523536.

ClinVar aggregate classification (germline): Benign. Review status: criteria provided, multiple submitters, no conflicts (2 of 4 stars). 2 submissions from 2 submitters: Benign (2). Last evaluated 2018-06-14.

Allele frequency attached by ClinVar (database versions not stated): gnomAD exomes 0.12534; TOPMed 0.17610; gnomAD 0.17686 and 0.18169; 1000 Genomes Project 0.18091; 1000 Genomes Project 30x 0.19035.
gnomAD v4.1: 97,156 of 712,686 alleles (14%); highest among the groups gnomAD compares: African/African-American, 32%; 7,983 homozygotes.

Submissions (2):

GeneDx
Classification: Benign. Last evaluated: 2018-06-14. Review status: criteria provided, single submitter. Criteria: GeneDx Variant Classification (06012015). Collection method: clinical testing. Allele origin: germline. Affected: yes.
Comment: This variant is considered likely benign or benign based on one or more of the following criteria: it is a conservative change, it occurs at a poorly conserved position in the protein, it is predicted to be benign by multiple in silico algorithms, and/or has population frequency not consistent with disease.

Breakthrough Genomics
Classification: Benign. Review status: criteria provided, single submitter. Criteria: ACMG Guidelines, 2015. Collection method: not provided. Allele origin: germline. Inheritance: Autosomal recessive inheritance. Affected: yes.